The following is an entry in ClinVar:

ClinVar aggregate classification (germline): Uncertain significance (1 of 4 stars; one submission).

Conditions:
46 XY differences of sex development. Also called: 46, XY disorder of sex development (DSD); 46,XY disorder of sex development. Identifiers: Orphanet 98085, MedGen C2751824, MONDO:0020040.
Oligosynaptic infertility (SPGF1). Also called: SPERMATOGENIC FAILURE 1; OLIGOCHIASMATIC INFERTILITY. Identifiers: MedGen C0403810, MONDO:0009776, OMIM 258150.

Submission:

Labcorp Genetics (formerly Invitae), Labcorp
Classification: Uncertain significance for 46 XY differences of sex development; Oligosynaptic infertility. Last evaluated: 2023-11-27. Review status: criteria provided, single submitter. Criteria: Invitae Variant Classification Sherloc (09022015). Collection method: clinical testing. Allele origin: germline.
Comment: This variant, c.895_897del, results in the deletion of 1 amino acid(s) of the NR5A1 protein (p.Gln299del), but otherwise preserves the integrity of the reading frame. This variant is not present in population databases (gnomAD no frequency). This variant has not been reported in the literature in individuals affected with NR5A1-related conditions. ClinVar contains an entry for this variant (Variation ID: 1489814). Experimental studies and prediction algorithms are not available or were not evaluated, and the functional significance of this variant is currently unknown. In summary, the available evidence is currently insufficient to determine the role of this variant in disease. Therefore, it has been classified as a Variant of Uncertain Significance.

NM_004959.5(NR5A1):c.895_897del (p.Gln299del)

Gene: NR5A1 (nuclear receptor subfamily 5 group A member 1; minus strand). Cytogenetic location: 9q33.3.
Variant type: Deletion.
Coding change: c.895_897del on transcript NM_004959.5 (MANE Select); coding-DNA positions 895 to 897, 3 bases deleted (CAG; older notation c.895_897delCAG).
Protein change: p.Gln299del; deletes glutamine 299.
Molecular consequence: inframe deletion.
Genome position (GRCh38, 1-based): chr9:124,493,123-124,493,125, CTG deleted on the plus strand (CAG on the coding strand, the reverse complement: NR5A1 is on the minus strand); deleting any 3 consecutive bases within chr9:124,493,123-124,493,126 gives the same sequence; the c. name uses the placement nearest the transcript's 3' end. VCF-style (leftmost placement, unchanged base first): chr9-124493122-TCTG-T. GRCh37 (hg19) VCF-style: chr9-127255401-TCTG-T.
Other names: short protein forms Q299del.
Identifiers: ClinVar variation 1489814 (VCV001489814.6), dbSNP rs2131279929, ClinGen allele CA2573143852.
Genomic context (GRCh38, chr9:124,493,122, plus strand): 5'-CCTTGCCGTGCTGGACCTGGCGGTAGATGTGGTCGAACACCAGCAGCTCGCTCCAGCAGT[TCTG>T]CAGCAGCGTCATCTGGTCGGCCACCTGGAAGGAAGAGGCACGCGGGGGGCCGGGCTCCAG-3'